The following is an entry in ClinVar:

NM_033310.3(KCNK4):c.344C>A (p.Ala115Asp)

Genes: KCNK4 (potassium two pore domain channel subfamily K member 4; plus strand), KCNK4-CATSPERZ (KCNK4-CATSPERZ readthrough (NMD candidate); plus strand). Cytogenetic location: 11q13.1.
Variant type: single nucleotide variant.
Coding change: c.344C>A on transcript NM_033310.3 (MANE Select); coding-DNA position 344, C replaced by A.
Protein change: p.Ala115Asp; replaces alanine 115 with aspartic acid.
Molecular consequence: missense variant. On other transcripts: non-coding transcript variant (3).
Genome position (GRCh38, 1-based): chr11:64,297,149, C>A. VCF-style: chr11-64297149-C-A. GRCh37 (hg19) VCF-style: chr11-64064621-C-A.
Other names: c.344C>A, p.Ala115Asp (NM_001317090.2, NM_033311.1); short protein forms A115D.
Identifiers: ClinVar variation 1810424 (VCV001810424.1), dbSNP rs2495687830, ClinGen allele CA381163845.

ClinVar aggregate classification (germline): Uncertain significance (1 of 4 stars; one submission).

Submission:

GeneDx
Classification: Uncertain significance. Last evaluated: 2022-07-07. Review status: criteria provided, single submitter. Criteria: GeneDx Variant Classification Process June 2021. Collection method: clinical testing. Allele origin: germline. Affected: yes.
Comment: Not observed at significant frequency in large population cohorts (gnomAD); In silico analysis supports that this missense variant has a deleterious effect on protein structure/function; Has not been previously published as pathogenic or benign to our knowledge